The following is an entry in ClinVar:

ClinVar aggregate classification (germline): Pathogenic/Likely pathogenic. Review status: criteria provided, multiple submitters, no conflicts (2 of 4 stars). 5 submissions from 5 submitters: Pathogenic (4); Likely pathogenic (1). Last evaluated 2025-02-04.

Conditions:
Pheochromocytoma. Also called: MAX-Related Hereditary Paraganglioma-Pheochromocytoma Syndrome. Identifiers: Orphanet 29072, MedGen C0031511, MONDO:0008233, OMIM 171300, HP:0002666.
Cowden syndrome 3 (CWS3). Identifiers: Orphanet 201, MedGen CN166604, MONDO:0014045.
Carney-Stratakis syndrome. Also called: PARAGANGLIOMA AND GASTROINTESTINAL STROMAL TUMOR. Identifiers: Orphanet 97286, MedGen C1847319, MONDO:0011740, OMIM 606864.
Paragangliomas with sensorineural hearing loss. Identifiers: MedGen C1868633.
Paraganglioma. Also called: Carotid body tumor. Identifiers: MedGen C0030421, MONDO:0000448, HP:0002668.
Hereditary cancer-predisposing syndrome. Also called: Hereditary Cancer Syndrome; Neoplastic Syndromes, Hereditary; Tumor predisposition; Hereditary neoplastic syndrome. Identifiers: Orphanet 140162, MedGen C0027672, MeSH D009386, MONDO:0015356.
Pheochromocytoma/paraganglioma syndrome 1. Also called: Paraganglioma - glomus jugulare; SDHD-Related Hereditary Paraganglioma-Pheochromocytoma Syndrome; PARAGANGLIOMATA; Paragangliomas 1; Glomus tumors familial 1; PARAGANGLIOMAS, FAMILIAL NONCHROMAFFIN, 1. Identifiers: Orphanet 29072, MedGen C3494181, MONDO:0008192, OMIM 168000.

Submissions (5):

Clinical Genetics Laboratory, Skane University Hospital Lund
Classification: Pathogenic for Pheochromocytoma; Paraganglioma. Last evaluated: 2025-02-04. Review status: criteria provided, single submitter. Criteria: ACMG Guidelines, 2015. Collection method: clinical testing. Allele origin: germline. Affected: yes.
Comment: ACMG criteria used: PVS1, PS4, PM2.

Labcorp Genetics (formerly Invitae), Labcorp
Classification: Pathogenic for Carney-Stratakis syndrome; Paragangliomas with sensorineural hearing loss; Pheochromocytoma; Cowden syndrome 3. Last evaluated: 2024-09-22. Review status: criteria provided, single submitter. Criteria: Invitae Variant Classification Sherloc (09022015). Collection method: clinical testing. Allele origin: germline.
Comment: This sequence change creates a premature translational stop signal (p.His50Thrfs*19) in the SDHD gene. It is expected to result in an absent or disrupted protein product. Loss-of-function variants in SDHD are known to be pathogenic (PMID: 19454582, 19802898). This variant is not present in population databases (gnomAD no frequency). This premature translational stop signal has been observed in individual(s) with paraganglioma-pheochromocytoma syndromes (PMID: 12811540, 16314641). This variant is also known as c.147_148insA and c.148_149insA. ClinVar contains an entry for this variant (Variation ID: 231390). For these reasons, this variant has been classified as Pathogenic.

Myriad Genetics, Inc.
Classification: Pathogenic for Pheochromocytoma/paraganglioma syndrome 1. Last evaluated: 2024-04-09. Review status: criteria provided, single submitter. Criteria: Myriad Autosomal Dominant, Autosomal Recessive and X-Linked Classification Criteria (2023). Collection method: clinical testing. Allele origin: unknown.
Comment: This variant is considered pathogenic. This variant creates a frameshift predicted to result in premature protein truncation.

Ambry Genetics
Classification: Pathogenic for Hereditary cancer-predisposing syndrome. Last evaluated: 2023-02-16. Review status: criteria provided, single submitter. Criteria: Ambry Variant Classification Scheme 2023. Collection method: clinical testing. Allele origin: germline.
Comment: The c.147dupA pathogenic mutation, located in coding exon 2 of the SDHD gene, results from a duplication of A at position 147, causing a translational frameshift with a predicted alternate stop codon (p.H50Tfs*19). This mutation has been reported in an individual with hereditary paraganglioma (Astrom K et al. Hum Genet. 2003 Aug;113(3):228-37). In addition to the clinical data presented in the literature, this alteration is expected to result in loss of function by premature protein truncation or nonsense-mediated mRNA decay. As such, this alteration is interpreted as a disease-causing mutation.

MGZ Medical Genetics Center
Classification: Likely pathogenic for Pheochromocytoma. Last evaluated: 2021-07-15. Review status: criteria provided, single submitter. Criteria: ACMG Guidelines, 2015. Collection method: clinical testing. Allele origin: germline. Affected: yes. Observed: 1 variant allele.
Comment: ACMG criteria applied: PVS1, PM2_SUP

Literature cited by the submitters: PubMed 19454582 (cited by Labcorp Genetics (formerly Invitae), Labcorp); PubMed 19802898 (cited by Labcorp Genetics (formerly Invitae), Labcorp); PubMed 12811540 (cited by Labcorp Genetics (formerly Invitae), Labcorp); PubMed 16314641 (cited by Labcorp Genetics (formerly Invitae), Labcorp).

NM_003002.4(SDHD):c.147dup (p.His50fs)

Gene: SDHD (succinate dehydrogenase complex subunit D; plus strand). Cytogenetic location: 11q23.1.
Variant type: Duplication.
Coding change: c.147dup on transcript NM_003002.4 (MANE Select); coding-DNA position 147, one base duplicated (A; older notation c.147dupA).
Protein change: p.His50fs; shifts the reading frame from histidine 50.
Molecular consequence: frameshift variant. On other transcripts: non-coding transcript variant (1), intron variant (1).
Genome position (GRCh38, 1-based): chr11:112,087,951, A duplicated. VCF-style (leftmost placement, unchanged base first): chr11-112087950-T-TA. GRCh37 (hg19) VCF-style: chr11-111958674-T-TA.
Other names: c.147dup, p.His50fs (NM_001276503.2, NM_001276506.2); c.53-916dup (NM_001276504.2); short protein forms H50fs.
Identifiers: ClinVar variation 231390 (VCV000231390.19), dbSNP rs876659130, ClinGen allele CA10579345.